The following is an entry in ClinVar:

ClinVar aggregate classification (germline): Uncertain significance (1 of 4 stars; one submission).

gnomAD v4.1: 34 of 1,612,090 alleles (0.0021%); highest among the groups gnomAD compares: South Asian, 0.0044%; no homozygotes.

Submission:

Labcorp Genetics (formerly Invitae), Labcorp
Classification: Uncertain significance. Last evaluated: 2024-11-18. Review status: criteria provided, single submitter. Criteria: Invitae Variant Classification Sherloc (09022015). Collection method: clinical testing. Allele origin: germline.
Comment: This sequence change replaces arginine, which is basic and polar, with cysteine, which is neutral and slightly polar, at codon 564 of the SKIV2L protein (p.Arg564Cys). This variant is present in population databases (rs764328308, gnomAD 0.007%). This variant has not been reported in the literature in individuals affected with SKIV2L-related conditions. An algorithm developed to predict the effect of missense changes on protein structure and function (PolyPhen-2) suggests that this variant is likely to be disruptive. In summary, the available evidence is currently insufficient to determine the role of this variant in disease. Therefore, it has been classified as a Variant of Uncertain Significance.

NM_006929.5(SKIC2):c.1690C>T (p.Arg564Cys)

Gene: SKIC2 (SKI2 subunit of superkiller complex; plus strand). Cytogenetic location: 6p21.33.
Variant type: single nucleotide variant.
Coding change: c.1690C>T on transcript NM_006929.5 (MANE Select); coding-DNA position 1690, C replaced by T.
Protein change: p.Arg564Cys; replaces arginine 564 with cysteine.
Molecular consequence: missense variant.
Genome position (GRCh38, 1-based): chr6:31,963,955, C>T. VCF-style: chr6-31963955-C-T. GRCh37 (hg19) VCF-style: chr6-31931732-C-T.
Other names: short protein forms R564C.
Identifiers: ClinVar variation 3710654 (VCV003710654.2).